The following is an entry in ClinVar:

Conditions:
Breast-ovarian cancer, familial, susceptibility to, 1 (BROVCA1). Also called: BRCA1 Hereditary Breast and Ovarian Cancer; OVARIAN CANCER, SUSCEPTIBILITY TO. Identifiers: Orphanet 145, MedGen C2676676, MONDO:0011450, OMIM 604370. Disease mechanism: loss of function.

Submission:

Brotman Baty Institute, University of Washington
No classification provided (evidence only). Condition: Breast-ovarian cancer, familial 1. Review status: no classification provided. Collection method: in vitro. Allele origin: not applicable. Functional consequence: functionally_abnormal.
ClinVar note: "not provided" was previously submitted as the classification for the variant. However, the classification appeared to be based only on an observation of functional data so it was converted to no classification on 2025-07-30.

NM_007294.4(BRCA1):c.4987-2A>T

Gene: BRCA1 (BRCA1 DNA repair associated; minus strand). Cytogenetic location: 17q21.31.
Variant type: single nucleotide variant.
Coding change: c.4987-2A>T on transcript NM_007294.4 (MANE Select); the canonical splice acceptor site of the intron before coding-DNA position 4987, A replaced by T.
Molecular consequence: splice acceptor variant. On other transcripts: intron variant (1).
Genome position (GRCh38, 1-based): chr17:43,067,697, T>A on the plus strand (A>T on the coding strand, the complement: BRCA1 is on the minus strand). VCF-style: chr17-43067697-T-A. GRCh37 (hg19) VCF-style: chr17-41219714-T-A.
Other names: c.1534-2A>T (NM_001408458.1, NM_001408461.1, NM_001408464.1 and 7 more transcripts); c.4096-2A>T (NM_001407967.1); c.4606-2A>T (NM_001407959.1); c.4720-2A>T (NM_001407931.1, NM_001407932.1, NM_001407928.1 and 4 more transcripts); c.4843-2A>T (NM_001407747.1, NM_001407745.1, NM_001407737.1 and 21 more transcripts); c.4603-2A>T (NM_001407962.1, NM_001407960.1); c.1174-2A>T (NM_001408512.1); c.1297-2A>T (NM_001408510.1); and 71 more.
Identifiers: ClinVar variation 865509 (VCV000865509.3), dbSNP rs397509212, ClinGen allele CA10591547.
Genomic context (GRCh38, chr17:43,067,697, plus strand): 5'-TCAGTAATTAGATTAGTTAAAGTGATGTGGTGTTTTCTGGCAAACTTGTACACGAGCATC[T>A]GAAATTAAATCAAATATTCCATTATCATGAGTTACCTCTAGCACACAGCTCAGAATACTA-3'